The following is an entry in ClinVar:

NM_004364.5(CEBPA):c.267G>C (p.Glu89Asp)

Gene: CEBPA (CCAAT enhancer binding protein alpha; minus strand). Cytogenetic location: 19q13.11.
Variant type: single nucleotide variant.
Coding change: c.267G>C on transcript NM_004364.5 (MANE Select); coding-DNA position 267, G replaced by C.
Protein change: p.Glu89Asp; replaces glutamic acid 89 with aspartic acid.
Molecular consequence: missense variant. On other transcripts: 5 prime UTR variant (1).
Genome position (GRCh38, 1-based): chr19:33,302,148, C>G on the plus strand (G>C on the coding strand, the complement: CEBPA is on the minus strand). VCF-style: chr19-33302148-C-G. GRCh37 (hg19) VCF-style: chr19-33793054-C-G.
Other names: c.-91G>C (NM_001285829.2); c.372G>C, p.Glu124Asp (NM_001287424.2); c.225G>C, p.Glu75Asp (NM_001287435.2); short protein forms E75D, E89D, E124D.
Identifiers: ClinVar variation 4225052 (VCV004225052.1).

ClinVar aggregate classification (germline): Uncertain significance (1 of 4 stars; one submission).

Conditions:
Inborn genetic diseases. Identifiers: MedGen C0950123, MeSH D030342.

Submission:

Ambry Genetics
Classification: Uncertain significance for Inborn genetic diseases. Last evaluated: 2025-08-25. Review status: criteria provided, single submitter. Criteria: Ambry Variant Classification Scheme 2023. Collection method: clinical testing. Allele origin: germline.
Comment: The p.E89D variant (also known as c.267G>C), located in coding exon 1 of the CEBPA gene, results from a G to C substitution at nucleotide position 267. The glutamic acid at codon 89 is replaced by aspartic acid, an amino acid with highly similar properties. This amino acid position is conserved. In addition, this alteration is predicted to be tolerated by in silico analysis. Based on the available evidence, the clinical significance of this variant remains unclear.